The following is an entry in ClinVar:

NM_053025.4(MYLK):c.676G>A (p.Asp226Asn)

Gene: MYLK (myosin light chain kinase; minus strand). Cytogenetic location: 3q21.1.
Variant type: single nucleotide variant.
Coding change: c.676G>A on transcript NM_053025.4 (MANE Select); coding-DNA position 676, G replaced by A.
Protein change: p.Asp226Asn; replaces aspartic acid 226 with asparagine.
Molecular consequence: missense variant.
Genome position (GRCh38, 1-based): chr3:123,737,456, C>T on the plus strand (G>A on the coding strand, the complement: MYLK is on the minus strand). VCF-style: chr3-123737456-C-T. GRCh37 (hg19) VCF-style: chr3-123456303-C-T.
Other names: c.148G>A, p.Asp50Asn (NM_001321309.2); c.676G>A, p.Asp226Asn (NM_053026.4, NM_053027.4, NM_053028.4); short protein forms D226N, D50N.
Identifiers: ClinVar variation 2978861 (VCV002978861.3), dbSNP rs774402313, ClinGen allele CA073440.

ClinVar aggregate classification (germline): Uncertain significance (1 of 4 stars; one submission).

Conditions:
Aortic aneurysm, familial thoracic 7 (AAT7). Also called: AORTIC DISSECTION, FAMILIAL, WITH OR WITHOUT AORTIC ANEURYSM. Identifiers: MedGen C3151077, MONDO:0013418, OMIM 613780.

Allele frequency attached by ClinVar (database versions not stated): ExAC 0.00002; gnomAD exomes 0.00002.

Submission:

Labcorp Genetics (formerly Invitae), Labcorp
Classification: Uncertain significance for Aortic aneurysm, familial thoracic 7. Last evaluated: 2023-04-09. Review status: criteria provided, single submitter. Criteria: Invitae Variant Classification Sherloc (09022015). Collection method: clinical testing. Allele origin: germline.
Comment: In summary, the available evidence is currently insufficient to determine the role of this variant in disease. Therefore, it has been classified as a Variant of Uncertain Significance. Advanced modeling of protein sequence and biophysical properties (such as structural, functional, and spatial information, amino acid conservation, physicochemical variation, residue mobility, and thermodynamic stability) performed at Invitae indicates that this missense variant is not expected to disrupt MYLK protein function. This variant has not been reported in the literature in individuals affected with MYLK-related conditions. This variant is present in population databases (rs774402313, gnomAD 0.03%). This sequence change replaces aspartic acid, which is acidic and polar, with asparagine, which is neutral and polar, at codon 226 of the MYLK protein (p.Asp226Asn).